The following is an entry in ClinVar:

NM_020461.4(TUBGCP6):c.3463C>T (p.Arg1155Trp)

Gene: TUBGCP6 (tubulin gamma complex component 6; minus strand). Cytogenetic location: 22q13.33.
Variant type: single nucleotide variant.
Coding change: c.3463C>T on transcript NM_020461.4 (MANE Select); coding-DNA position 3463, C replaced by T.
Protein change: p.Arg1155Trp; replaces arginine 1155 with tryptophan.
Molecular consequence: missense variant.
Genome position (GRCh38, 1-based): chr22:50,220,896, G>A on the plus strand (C>T on the coding strand, the complement: TUBGCP6 is on the minus strand). VCF-style: chr22-50220896-G-A. GRCh37 (hg19) VCF-style: chr22-50659325-G-A.
Other names: short protein forms R1155W.
Identifiers: ClinVar variation 810772 (VCV000810772.7), dbSNP rs1457740942, ClinGen allele CA412182304.
Genomic context (GRCh38, chr22:50,220,896, plus strand): 5'-CAGACTCCCCCAAGCTGATGCTGGCATCGGACACGTGTCCATGGGTGTTCCACCGTGGCC[G>A]GGTGGGAGCCACGTCCGACACGTTCTCCCCAACCCTGATGCTGGCGTTGGACACGTGCCC-3'
Protein context (NP_065194.3, residues 1145-1165): GENVSDVAPT[Arg1155Trp]PRWNTHGHVS

ClinVar aggregate classification (germline): Uncertain significance (1 of 4 stars; one submission).

Conditions:
Microcephaly and chorioretinopathy 1. Also called: Microcephaly and chorioretinopathy, autosomal recessive, 1. Identifiers: MedGen C3278481, MONDO:0009624, OMIM 251270.

Allele frequency attached by ClinVar (database versions not stated): gnomAD exomes below 0.00001 and 0.00001; gnomAD 0.00001; TOPMed 0.00001.
gnomAD v4.1: 13 of 1,612,636 alleles (0.00081%); highest among the groups gnomAD compares: East Asian, 0.0022%; no homozygotes.

Submission:

Labcorp Genetics (formerly Invitae), Labcorp
Classification: Uncertain significance. Last evaluated: 2021-12-06. Review status: criteria provided, single submitter. Criteria: Invitae Variant Classification Sherloc (09022015). Collection method: clinical testing. Allele origin: germline.
Comment: In summary, the available evidence is currently insufficient to determine the role of this variant in disease. Therefore, it has been classified as a Variant of Uncertain Significance. Algorithms developed to predict the effect of missense changes on protein structure and function are either unavailable or do not agree on the potential impact of this missense change (SIFT: "Deleterious"; PolyPhen-2: "Not Available"; Align-GVGD: "Class C0"). ClinVar contains an entry for this variant (Variation ID: 810772). This variant has not been reported in the literature in individuals affected with TUBGCP6-related conditions. This variant is present in population databases (no rsID available, gnomAD 0.006%). This sequence change replaces arginine, which is basic and polar, with tryptophan, which is neutral and slightly polar, at codon 1155 of the TUBGCP6 protein (p.Arg1155Trp).